The following is an entry in ClinVar:

NM_000358.3(TGFBI):c.1078A>T (p.Thr360Ser)

Gene: TGFBI (transforming growth factor beta induced; plus strand). Cytogenetic location: 5q31.1.
Variant type: single nucleotide variant.
Coding change: c.1078A>T on transcript NM_000358.3 (MANE Select); coding-DNA position 1078, A replaced by T.
Protein change: p.Thr360Ser; replaces threonine 360 with serine.
Molecular consequence: missense variant.
Genome position (GRCh38, 1-based): chr5:136,053,071, A>T. VCF-style: chr5-136053071-A-T. GRCh37 (hg19) VCF-style: chr5-135388760-A-T.
Other names: short protein forms T360S.
Identifiers: ClinVar variation 2898876 (VCV002898876.3), dbSNP rs768431533, ClinGen allele CA3420240.
Genomic context (GRCh38, chr5:136,053,071, plus strand): 5'-AGCGGGGACATGCTCACTATCAACGGGAAGGCGATCATCTCCAATAAAGACATCCTAGCC[A>T]CCAACGGGGTGATCCACTACATTGATGAGCTACTCATCCCAGACTCAGGTAGGCCAGGCC-3'
Protein context (NP_000349.1, residues 350-370): AIISNKDILA[Thr360Ser]NGVIHYIDEL

ClinVar aggregate classification (germline): Uncertain significance (1 of 4 stars; one submission).

Allele frequency attached by ClinVar (database versions not stated): ExAC 0.00001.

Submission:

Labcorp Genetics (formerly Invitae), Labcorp
Classification: Uncertain significance. Last evaluated: 2024-01-10. Review status: criteria provided, single submitter. Criteria: Invitae Variant Classification Sherloc (09022015). Collection method: clinical testing. Allele origin: germline.
Comment: This sequence change replaces threonine, which is neutral and polar, with serine, which is neutral and polar, at codon 360 of the TGFBI protein (p.Thr360Ser). This variant is present in population databases (rs768431533, gnomAD 0.006%). This variant has not been reported in the literature in individuals affected with TGFBI-related conditions. Advanced modeling of protein sequence and biophysical properties (such as structural, functional, and spatial information, amino acid conservation, physicochemical variation, residue mobility, and thermodynamic stability) performed at Invitae indicates that this missense variant is not expected to disrupt TGFBI protein function with a negative predictive value of 80%. In summary, the available evidence is currently insufficient to determine the role of this variant in disease. Therefore, it has been classified as a Variant of Uncertain Significance.